The following is an entry in ClinVar:

ClinVar aggregate classification (germline): Benign/Likely benign. Review status: criteria provided, multiple submitters, no conflicts (2 of 4 stars). 2 submissions from 2 submitters: Benign (1); Likely benign (1). Last evaluated 2023-09-01.

Conditions:
Developmental and epileptic encephalopathy, 42 (DEE42A). Also called: Epileptic encephalopathy, early infantile, 42; DEVELOPMENTAL AND EPILEPTIC ENCEPHALOPATHY 42A; EPILEPTIC ENCEPHALOPATHY, EARLY INFANTILE, 42A. Identifiers: MedGen C4310716, MONDO:0014917, OMIM 617106.
Episodic ataxia type 2 (EA2). Also called: ACETAZOLAMIDE-RESPONSIVE HEREDITARY PAROXYSMAL CEREBELLAR ATAXIA; ATAXIA, EPISODIC, WITH NYSTAGMUS; ATAXIA, FAMILIAL PAROXYSMAL; CEREBELLAR ATAXIA, PAROXYSMAL, ACETAZOLAMIDE-RESPONSIVE; CEREBELLOPATHY, HEREDITARY PAROXYSMAL; EPISODIC ATAXIA, NYSTAGMUS-ASSOCIATED. Identifiers: Orphanet 97, MedGen C1720416, MONDO:0007163, OMIM 108500.

gnomAD v4.1: 2 of 1,593,008 alleles (0.00013%); highest among the groups gnomAD compares: East Asian, 0.0022%; no homozygotes.

Submissions (2):

CeGaT Center for Human Genetics Tuebingen
Classification: Likely benign. Last evaluated: 2023-09-01. Review status: criteria provided, single submitter. Criteria: CeGaT Center For Human Genetics Tuebingen Variant Classification Criteria Version 2. Collection method: clinical testing. Allele origin: germline. Affected: yes. Observed: 1 variant allele.
Comment: CACNA1A: BP4, BP7

Labcorp Genetics (formerly Invitae), Labcorp
Classification: Benign for Developmental and epileptic encephalopathy, 42; Episodic ataxia type 2. Last evaluated: 2022-04-26. Review status: criteria provided, single submitter. Criteria: Invitae Variant Classification Sherloc (09022015). Collection method: clinical testing. Allele origin: germline.

NM_001127222.2(CACNA1A):c.2751G>A (p.Glu917=)

Gene: CACNA1A (calcium voltage-gated channel subunit alpha1 A; minus strand). Cytogenetic location: 19p13.13.
Variant type: single nucleotide variant.
Coding change: c.2751G>A on transcript NM_001127222.2 (MANE Select); coding-DNA position 2751, G replaced by A.
Protein change: p.Glu917=; no amino-acid change (glutamic acid 917 retained).
Molecular consequence: synonymous variant.
Genome position (GRCh38, 1-based): chr19:13,298,882, C>T on the plus strand (G>A on the coding strand, the complement: CACNA1A is on the minus strand). VCF-style: chr19-13298882-C-T. GRCh37 (hg19) VCF-style: chr19-13409696-C-T.
Other names: c.2763G>A, p.Glu921= (NM_000068.4, NM_023035.3); c.2754G>A, p.Glu918= (NM_001127221.2, NM_001174080.2).
Identifiers: ClinVar variation 2130880 (VCV002130880.28), dbSNP rs16022, ClinGen allele CA9240489.